The following is an entry in ClinVar:

NC_012920.1(MT-TN):m.5673T>C

Gene: MT-TN (mitochondrially encoded tRNA asparagine; minus strand).
Variant type: single nucleotide variant.
Genome position: chrM-5673-T-C.
Identifiers: ClinVar variation 689974 (VCV000689974.1), dbSNP rs386828975, ClinGen allele CA913180193.

ClinVar aggregate classification (germline): Benign (1 of 4 stars; one submission).

Conditions:
MELAS syndrome (MELAS). Also called: Juvenile myopathy, encephalopathy, lactic acidosis, stroke. Identifiers: Orphanet 550, MedGen C0162671, MONDO:0010789, OMIM 540000.

Submission:

Wong Mito Lab, Molecular and Human Genetics, Baylor College of Medicine
Classification: Benign for MELAS syndrome. Last evaluated: 2019-07-12. Review status: criteria provided, single submitter. Criteria: Modified ACMG Guidelines (Unpublished). Collection method: clinical testing. Allele origin: germline.
Comment: The NC_012920.1:m.5673T>C variant in MT-TN gene is interpreted to be a Benign variant based on the modified ACMG guidelines (unpublished). This variant meets the following evidence codes reported in the guidelines: BS1, BS2, BP4

Literature cited by the submitters: PubMed 31965079.